The following is an entry in ClinVar:

ClinVar aggregate classification (germline): Uncertain significance (1 of 4 stars; one submission).

Conditions:
Cardiovascular phenotype. Identifiers: MedGen CN230736.

Submission:

Ambry Genetics
Classification: Uncertain significance for Cardiovascular phenotype. Last evaluated: 2026-03-12. Review status: criteria provided, single submitter. Criteria: Ambry Variant Classification Scheme 2023. Collection method: clinical testing. Allele origin: germline.
Comment: The p.I159N variant (also known as c.476T>A), located in coding exon 4 of the LIPA gene, results from a T to A substitution at nucleotide position 476. The isoleucine at codon 159 is replaced by asparagine, an amino acid with dissimilar properties. This amino acid position is conserved. In addition, the in silico prediction for this alteration is inconclusive. Based on the available evidence, the clinical significance of this variant remains unclear.

NM_000235.4(LIPA):c.476T>A (p.Ile159Asn)

Gene: LIPA (lipase A, lysosomal acid type; minus strand). Cytogenetic location: 10q23.31.
Variant type: single nucleotide variant.
Coding change: c.476T>A on transcript NM_000235.4 (MANE Select); coding-DNA position 476, T replaced by A.
Protein change: p.Ile159Asn; replaces isoleucine 159 with asparagine.
Molecular consequence: missense variant.
Genome position (GRCh38, 1-based): chr10:89,226,957, A>T on the plus strand (T>A on the coding strand, the complement: LIPA is on the minus strand). VCF-style: chr10-89226957-A-T. GRCh37 (hg19) VCF-style: chr10-90986714-A-T.
Other names: c.491T>A, p.Ile164Asn (NM_001440838.1); c.308T>A, p.Ile103Asn (NM_001440839.1); c.476T>A, p.Ile159Asn (NM_001440829.1, NM_001440830.1, NM_001440831.1 and 16 more transcripts); c.608T>A, p.Ile203Asn (NM_001440836.1); c.497T>A, p.Ile166Asn (NM_001440837.1); c.128T>A, p.Ile43Asn (NM_001288979.2); short protein forms I103N, I164N, I203N, I159N, I166N, I43N.
Identifiers: ClinVar variation 4826953 (VCV004826953.1).